The following is an entry in ClinVar:

ClinVar aggregate classification (germline): Pathogenic (1 of 4 stars; one submission).

Submission:

Labcorp Genetics (formerly Invitae), Labcorp
Classification: Pathogenic. Last evaluated: 2021-08-04. Review status: criteria provided, single submitter. Criteria: Invitae Variant Classification Sherloc (09022015). Collection method: clinical testing. Allele origin: germline.
Comment: This variant is not present in population databases (ExAC no frequency). This sequence change creates a premature translational stop signal (p.Val263*) in the LAMC2 gene. It is expected to result in an absent or disrupted protein product. Loss-of-function variants in LAMC2 are known to be pathogenic (PMID: 11907499, 16473856). This variant has not been reported in the literature in individuals affected with LAMC2-related conditions. Algorithms developed to predict the effect of sequence changes on RNA splicing suggest that this variant may create or strengthen a splice site. For these reasons, this variant has been classified as Pathogenic.

Literature cited by the submitters: PubMed 11907499; PubMed 16473856.

NM_005562.3(LAMC2):c.787del (p.Gln262_Val263insTer)

Gene: LAMC2 (laminin subunit gamma 2; plus strand). Cytogenetic location: 1q25.3.
Variant type: Deletion.
Coding change: c.787del on transcript NM_005562.3 (MANE Select); coding-DNA position 787, one base deleted (G; older notation c.787delG).
Protein change: p.Gln262_Val263insTer.
Molecular consequence: nonsense.
Genome position (GRCh38, 1-based): chr1:183,223,158, G deleted; the last of 2 consecutive G bases (chr1:183,223,157-183,223,158); deleting either gives the same sequence. VCF-style (leftmost placement, unchanged base first): chr1-183223156-AG-A. GRCh37 (hg19) VCF-style: chr1-183192291-AG-A.
Other names: c.787del, p.Gln262_Val263insTer (NM_018891.3).
Identifiers: ClinVar variation 1391831 (VCV001391831.6), dbSNP rs1659523218, ClinGen allele CA1211817860.